The following is an entry in ClinVar:

ClinVar aggregate classification (germline): Likely benign (0 of 4 stars; one submission).

Conditions:
PLXNA1-related disorder. Also called: PLXNA1-related condition.

gnomAD v4.1: 3 of 1,613,274 alleles (0.00019%); highest among the groups gnomAD compares: Non-Finnish European, 0.00025%; no homozygotes.

Submission:

PreventionGenetics, part of Exact Sciences
Classification: Likely benign for PLXNA1-related condition. Last evaluated: 2023-03-12. Review status: no assertion criteria provided. Collection method: clinical testing. Allele origin: germline.
Comment: This variant is classified as likely benign based on ACMG/AMP sequence variant interpretation guidelines (Richards et al. 2015 PMID: 25741868, with internal and published modifications).

NM_032242.4(PLXNA1):c.2262T>G (p.Arg754=)

Gene: PLXNA1 (plexin A1; plus strand). Cytogenetic location: 3q21.3.
Variant type: single nucleotide variant.
Coding change: c.2262T>G on transcript NM_032242.4 (MANE Select); coding-DNA position 2262, T replaced by G.
Protein change: p.Arg754=; no amino-acid change (arginine 754 retained).
Molecular consequence: synonymous variant.
Genome position (GRCh38, 1-based): chr3:127,012,107, T>G. VCF-style: chr3-127012107-T-G. GRCh37 (hg19) VCF-style: chr3-126730950-T-G.
Identifiers: ClinVar variation 3356251 (VCV003356251.1).
Genomic context (GRCh38, chr3:127,012,107, plus strand): 5'-GCCACAGTCAGGCCAGCGTGGATATGAGTGCCTCTTCCACATCCCGGGCAGCCCGGCCCG[T>G]GTCACCGCCCTGCGCTTCAACAGCTCCAGCCTGCAGTGCCAGAATTCCTCGGTGAGGTGG-3'
Protein context (NP_115618.3, residues 744-764): CLFHIPGSPA[Arg754=]VTALRFNSSS